The following is an entry in ClinVar:

ClinVar aggregate classification (germline): Uncertain significance (1 of 4 stars; one submission).

Conditions:
Immunodeficiency, common variable, 1. Also called: ANTIBODY DEFICIENCY DUE TO ICOS DEFECT. Identifiers: Orphanet 1572, Orphanet 695183, MedGen C3149378, MONDO:0011864, OMIM 607594.

Submission:

Next Generation Genetic Polyclinic
Classification: Uncertain significance for Immunodeficiency, common variable, 1. Last evaluated: 2025-04-10. Review status: criteria provided, single submitter. Criteria: ACMG Guidelines, 2015. Collection method: curation. Allele origin: germline. Affected: yes. Observed: 1 variant allele.
Comment: A novel variant in the ICOS gene (c.334T>C) was identified in the homozygous state through curation. The variant is absent from population databases and has uncertain clinical significance due to limited functional data or phenotype correlation, classified as VUS.

NM_012092.4(ICOS):c.334T>C (p.Ser112Pro)

Gene: ICOS (inducible T cell costimulator; plus strand). Cytogenetic location: 2q33.2.
Variant type: single nucleotide variant.
Coding change: c.334T>C on transcript NM_012092.4 (MANE Select); coding-DNA position 334, T replaced by C.
Protein change: p.Ser112Pro; replaces serine 112 with proline.
Molecular consequence: missense variant.
Genome position (GRCh38, 1-based): chr2:203,955,911, T>C. VCF-style: chr2-203955911-T-C. GRCh37 (hg19) VCF-style: chr2-204820634-T-C.
Other names: short protein forms S112P.
Identifiers: ClinVar variation 4071531 (VCV004071531.1).
Genomic context (GRCh38, chr2:203,955,911, plus strand): 5'-GTCTCTTTTTTTCTATACAACTTGGACCATTCTCATGCCAACTATTACTTCTGCAACCTA[T>C]CAATTTTTGATCCTCCTCCTTTTAAAGTAACTCTTACAGGAGGATATTTGCATATTTATG-3'
Protein context (NP_036224.1, residues 102-122): SHANYYFCNL[Ser112Pro]IFDPPPFKVT